The following is an entry in ClinVar:

ClinVar aggregate classification (germline): Likely pathogenic (0 of 4 stars; one submission).

Conditions:
Dihydropyrimidine dehydrogenase deficiency (DPYDD). Also called: Hereditary Thymine-Uraciluria; DPD DEFICIENCY; DPYD DEFICIENCY. Identifiers: Orphanet 1675, MedGen C1959620, MONDO:0010130, OMIM 274270.

gnomAD v4.1: 1 of 1,608,912 alleles (0.000062%); highest among the groups gnomAD compares: Admixed American, 0.0017%; no homozygotes.

Submission:

Department of Genetics, Suzhou Beikang Medical Laboratory
Classification: Likely pathogenic for Dihydropyrimidine dehydrogenase deficiency. Last evaluated: 2024-10-31. Review status: no assertion criteria provided. Collection method: clinical testing. Allele origin: germline. Affected: no.
Comment: This sequence change affects a donor splice site in intron 4 of the DPYD gene. It is expected to disrupt RNA splicing. Variants that disrupt the donor or acceptor splice site typically lead to a loss of protein function, and loss-of-function variants in DPYD are known to be pathogenic (PMID: 38528593). The variant allele was found at a frequency of 0.000007965 in 250926 control chromosomes (gnomAD).. Algorithms developed to predict the effect of sequence changes on RNA splicing suggest that this variant may disrupt the consensus splice site. For these reasons, this variant has been classified as Likely pathogenic.

NM_000110.4(DPYD):c.321+2T>C

Gene: DPYD (dihydropyrimidine dehydrogenase; minus strand). Cytogenetic location: 1p21.3.
Variant type: single nucleotide variant.
Coding change: c.321+2T>C on transcript NM_000110.4 (MANE Select); the canonical splice donor site of the intron after coding-DNA position 321, T replaced by C.
Molecular consequence: splice donor variant.
Genome position (GRCh38, 1-based): chr1:97,740,390, A>G on the plus strand (T>C on the coding strand, the complement: DPYD is on the minus strand). VCF-style: chr1-97740390-A-G. GRCh37 (hg19) VCF-style: chr1-98205946-A-G.
Other names: c.321+2T>C (NM_001160301.1).
Identifiers: ClinVar variation 3370432 (VCV003370432.1).
Genomic context (GRCh38, chr1:97,740,390, plus strand): 5'-AGATAATAGAGAACAAGATCAAATACTGTTATTTTCATTTGCAGAGTTAAATCTGAATTT[A>G]CCTTGTTTGCAATACTTGTGATGAATGATTTAATATCAAGATTAGTTGGACAGCTCTTCT-3'